The following is an entry in ClinVar:

NM_001846.4(COL4A2):c.3747C>A (p.Asp1249Glu)

Gene: COL4A2 (collagen type IV alpha 2 chain; plus strand). Cytogenetic location: 13q34.
Variant type: single nucleotide variant.
Coding change: c.3747C>A on transcript NM_001846.4 (MANE Select); coding-DNA position 3747, C replaced by A.
Protein change: p.Asp1249Glu; replaces aspartic acid 1249 with glutamic acid.
Molecular consequence: missense variant.
Genome position (GRCh38, 1-based): chr13:110,495,454, C>A. VCF-style: chr13-110495454-C-A. GRCh37 (hg19) VCF-style: chr13-111147801-C-A.
Other names: short protein forms D1249E.
Identifiers: ClinVar variation 2989796 (VCV002989796.3), dbSNP rs1883426638, ClinGen allele CA388733682.

ClinVar aggregate classification (germline): Uncertain significance (1 of 4 stars; one submission).

Allele frequency attached by ClinVar (database versions not stated): gnomAD 0.00001; TOPMed 0.00001.
gnomAD v4.1: 2 of 1,612,688 alleles (0.00012%); highest among the groups gnomAD compares: African/African-American, 0.0027%; no homozygotes.

Submission:

Labcorp Genetics (formerly Invitae), Labcorp
Classification: Uncertain significance. Last evaluated: 2023-05-29. Review status: criteria provided, single submitter. Criteria: Invitae Variant Classification Sherloc (09022015). Collection method: clinical testing. Allele origin: germline.
Comment: This sequence change replaces aspartic acid, which is acidic and polar, with glutamic acid, which is acidic and polar, at codon 1249 of the COL4A2 protein (p.Asp1249Glu). This variant is not present in population databases (gnomAD no frequency). This variant has not been reported in the literature in individuals affected with COL4A2-related conditions. Advanced modeling of protein sequence and biophysical properties (such as structural, functional, and spatial information, amino acid conservation, physicochemical variation, residue mobility, and thermodynamic stability) performed at Invitae indicates that this missense variant is not expected to disrupt COL4A2 protein function. In summary, the available evidence is currently insufficient to determine the role of this variant in disease. Therefore, it has been classified as a Variant of Uncertain Significance.